The following is an entry in ClinVar:

ClinVar aggregate classification (germline): Conflicting classifications of pathogenicity. Review status: criteria provided, conflicting classifications (1 of 4 stars). 3 submissions from 3 submitters: Uncertain significance (2); Likely benign (1). Last evaluated 2023-06-20.

Conditions:
Luscan-Lumish syndrome. Identifiers: Orphanet 597738, MedGen C4085873, MONDO:0014791, OMIM 616831.
Inborn genetic diseases. Identifiers: MedGen C0950123, MeSH D030342.

Allele frequency attached by ClinVar (database versions not stated): ExAC 0.00002; gnomAD exomes 0.00002; gnomAD 0.00003; TOPMed 0.00007.
gnomAD v4.1: 36 of 1,614,082 alleles (0.0022%); highest among the groups gnomAD compares: Admixed American, 0.0067%; no homozygotes.

Submissions (3):

Women's Health and Genetics/Laboratory Corporation of America, LabCorp
Classification: Uncertain significance. Last evaluated: 2023-06-20. Review status: criteria provided, single submitter. Criteria: LabCorp Variant Classification Summary - May 2015. Collection method: clinical testing. Allele origin: germline.
Comment: Variant summary: SETD2 c.7660G>A (p.Val2554Ile) results in a conservative amino acid change located in the Set2 Rpb1 interacting domain (IPR013257) of the encoded protein sequence. Four of five in-silico tools predict a benign effect of the variant on protein function. The variant allele was found at a frequency of 2e-05 (i.e., 5 heterozygotes) in 251468 control chromosomes (gnomAD v2.1, Exomes dataset). The available data on variant occurrences in the general population are insufficient to allow any conclusion about variant significance. To our knowledge, no occurrence of c.7660G>A in individuals affected with Luscan-Lumish Syndrome and no experimental evidence demonstrating its impact on protein function have been reported. Two submitters have reported clinical-significance assessments for this variant to ClinVar after 2014. One submitter classified the variant as likely benign, and one submitter classified the variant as uncertain significance. Based on the evidence outlined above, the variant was classified as uncertain significance.

Ambry Genetics
Classification: Likely benign for Inborn genetic diseases. Last evaluated: 2022-07-22. Review status: criteria provided, single submitter. Criteria: Ambry Variant Classification Scheme 2023. Collection method: clinical testing. Allele origin: germline.

Labcorp Genetics (formerly Invitae), Labcorp
Classification: Uncertain significance for Luscan-Lumish syndrome. Last evaluated: 2019-08-06. Review status: criteria provided, single submitter. Criteria: Invitae Variant Classification Sherloc (09022015). Collection method: clinical testing. Allele origin: germline.
Comment: In summary, the available evidence is currently insufficient to determine the role of this variant in disease. Therefore, it has been classified as a Variant of Uncertain Significance. This sequence change replaces valine with isoleucine at codon 2554 of the SETD2 protein (p.Val2554Ile). The valine residue is highly conserved and there is a small physicochemical difference between valine and isoleucine. This variant is present in population databases (rs768564000, ExAC 0.02%). This variant has not been reported in the literature in individuals with SETD2-related conditions. Algorithms developed to predict the effect of missense changes on protein structure and function (SIFT, PolyPhen-2, Align-GVGD) all suggest that this variant is likely to be tolerated, but these predictions have not been confirmed by published functional studies and their clinical significance is uncertain.

NM_014159.7(SETD2):c.7660G>A (p.Val2554Ile)

Gene: SETD2 (SET domain containing 2, histone lysine methyltransferase; minus strand). Cytogenetic location: 3p21.31.
Variant type: single nucleotide variant.
Coding change: c.7660G>A on transcript NM_014159.7 (MANE Select); coding-DNA position 7660, G replaced by A.
Protein change: p.Val2554Ile; replaces valine 2554 with isoleucine.
Molecular consequence: missense variant. On other transcripts: non-coding transcript variant (1).
Genome position (GRCh38, 1-based): chr3:47,017,128, C>T on the plus strand (G>A on the coding strand, the complement: SETD2 is on the minus strand). VCF-style: chr3-47017128-C-T. GRCh37 (hg19) VCF-style: chr3-47058618-C-T.
Other names: c.7528G>A, p.Val2510Ile (NM_001349370.3); short protein forms V2510I, V2554I.
Identifiers: ClinVar variation 939173 (VCV000939173.8), dbSNP rs768564000, ClinGen allele CA2362457.
Genomic context (GRCh38, chr3:47,017,128, plus strand): 5'-CCATCCTCCCACCCTGGCCCAACAGTCACTCTAATTCAGTGTCCTCTTTGGGTTTGTAAA[C>T]AGCCCCAAACTTCTGCATGTACTTCTTAATGTACTCCTTGGTTTTGTGTTTCACATTCTC-3'
Protein context (NP_054878.5, residues 2544-2564): IKKYMQKFGA[Val2554Ile]YKPKEDTELE